The following is an entry in ClinVar:

NM_001370259.2(MEN1):c.35C>T (p.Pro12Leu)

Gene: MEN1 (menin 1; minus strand). Cytogenetic location: 11q13.1.
Variant type: single nucleotide variant.
Coding change: c.35C>T on transcript NM_001370259.2 (MANE Select); coding-DNA position 35, C replaced by T.
Protein change: p.Pro12Leu; replaces proline 12 with leucine.
Molecular consequence: missense variant.
Genome position (GRCh38, 1-based): chr11:64,810,075, G>A on the plus strand (C>T on the coding strand, the complement: MEN1 is on the minus strand). VCF-style: chr11-64810075-G-A. GRCh37 (hg19) VCF-style: chr11-64577547-G-A.
Other names: c.35C>T, p.Pro12Leu (NM_000244.4, NM_001370251.2, NM_001370260.2 and 9 more transcripts); short protein forms P12L.
Identifiers: ClinVar variation 200969 (VCV000200969.9), dbSNP rs794728614, ClinGen allele CA009390.
Genomic context (GRCh38, chr11:64,810,075, plus strand): 5'-GGCTCCTCTCGGCCCAGCTCGGCAGCAAACAGGCGCACCACGTCGTCGATGGAGCGCAGC[G>A]GGAACAGCGTCTTCTGGGCGGCCTTCAGCCCCATGGCGGCGGGCGGTGGGCGGCGGCCTG-3'
Protein context (NP_001357188.2, residues 2-22): GLKAAQKTLF[Pro12Leu]LRSIDDVVRL

ClinVar aggregate classification (germline): Pathogenic/Likely pathogenic. Review status: criteria provided, multiple submitters, no conflicts (2 of 4 stars). 2 submissions from 2 submitters: Pathogenic (1); Likely pathogenic (1). Last evaluated 2026-07-30.

Conditions:
Hereditary cancer-predisposing syndrome. Also called: Tumor predisposition; Neoplastic Syndromes, Hereditary; Hereditary Cancer Syndrome; Hereditary neoplastic syndrome. Identifiers: Orphanet 140162, MedGen C0027672, MeSH D009386, MONDO:0015356.
Multiple endocrine neoplasia, type 1 (MEN1). Also called: Endocrine adenomatosis multiple; MEN 1; MEN I; WERMER SYNDROME; MEA I. Identifiers: Orphanet 652, MedGen C0025267, MeSH D018761, MONDO:0007540, OMIM 131100.

Submissions (2):

Ambry Genetics
Classification: Likely pathogenic for Hereditary cancer-predisposing syndrome. Last evaluated: 2026-07-30. Review status: criteria provided, single submitter. Criteria: Ambry Variant Classification Scheme 2023. Collection method: clinical testing. Allele origin: germline.
Comment: The p.P12L variant (also known as c.35C>T), located in coding exon 1 of the MEN1 gene, results from a C to T substitution at nucleotide position 35. The proline at codon 12 is replaced by leucine, an amino acid with similar properties. This variant was reported in individual(s) with features consistent with multiple endocrine neoplasia type 1 (Backman S et al. Eur J Endocrinol, 2020 Jan;182:35-45; Vidal A et al. J Eur Acad Dermatol Venereol, 2008 Jul;22:835-8; external communication). In multiple assays testing MEN1 function, this variant showed functionally indeterminant results (Yaguchi H et al. Mol Cell Biol, 2004 Aug;24:6569-80; Francis J et al. PLoS One, 2011 Jan;6:e16119; Sukhodolets KE et al. Mol Cell Biol, 2003 Jan;23:493-509). This amino acid position is highly conserved in available vertebrate species. In addition, this alteration is predicted to be deleterious by in silico analysis. This variant is considered to be rare based on population cohorts in the Genome Aggregation Database (gnomAD). Based on the majority of available evidence to date, this variant is likely to be pathogenic.

Labcorp Genetics (formerly Invitae), Labcorp
Classification: Pathogenic for Multiple endocrine neoplasia, type 1. Last evaluated: 2025-09-19. Review status: criteria provided, single submitter. Criteria: Invitae Variant Classification Sherloc (09022015). Collection method: clinical testing. Allele origin: germline.
Comment: This sequence change replaces proline, which is neutral and non-polar, with leucine, which is neutral and non-polar, at codon 12 of the MEN1 protein (p.Pro12Leu). This variant is not present in population databases (gnomAD no frequency). This missense change has been observed in individuals with multiple endocrine neoplasia type 1 (PMID: 9215689, 31658439; internal data). Invitae Evidence Modeling of clinical and family history, age, sex, and reported ancestry of multiple individuals with this MEN1 variant has been performed. This variant is expected to be pathogenic with a positive predictive value of at least 99%. This is a validated machine learning model that incorporates the clinical features of 1,366,787 individuals referred to our laboratory for MEN1 testing. ClinVar contains an entry for this variant (Variation ID: 200969). Invitae Evidence Modeling of protein sequence and biophysical properties (such as structural, functional, and spatial information, amino acid conservation, physicochemical variation, residue mobility, and thermodynamic stability) indicates that this missense variant is expected to disrupt MEN1 protein function with a positive predictive value of 95%. Experimental studies have shown that this missense change affects MEN1 function (PMID: 12509449, 15254225, 21264250, 21819486, 22090276). For these reasons, this variant has been classified as Pathogenic.

Literature cited by the submitters: PubMed 12509449 (cited by Ambry Genetics and Labcorp Genetics (formerly Invitae), Labcorp); PubMed 15254225 (cited by Ambry Genetics and Labcorp Genetics (formerly Invitae), Labcorp); PubMed 18435740 (cited by Ambry Genetics); PubMed 21264250 (cited by Ambry Genetics and Labcorp Genetics (formerly Invitae), Labcorp); PubMed 31658439 (cited by Ambry Genetics and Labcorp Genetics (formerly Invitae), Labcorp); PubMed 9215689 (cited by Labcorp Genetics (formerly Invitae), Labcorp); PubMed 21819486 (cited by Labcorp Genetics (formerly Invitae), Labcorp); PubMed 22090276 (cited by Labcorp Genetics (formerly Invitae), Labcorp).